The following is an entry in ClinVar:

NM_000083.3(CLCN1):c.1471G>C (p.Gly491Arg)

Gene: CLCN1 (chloride voltage-gated channel 1; plus strand). Cytogenetic location: 7q34.
Variant type: single nucleotide variant.
Coding change: c.1471G>C on transcript NM_000083.3 (MANE Select); coding-DNA position 1471, G replaced by C.
Protein change: p.Gly491Arg; replaces glycine 491 with arginine.
Molecular consequence: missense variant. On other transcripts: non-coding transcript variant (1).
Genome position (GRCh38, 1-based): chr7:143,339,322, G>C. VCF-style: chr7-143339322-G-C. GRCh37 (hg19) VCF-style: chr7-143036415-G-C.
Other names: short protein forms G491R.
Identifiers: ClinVar variation 2087541 (VCV002087541.4), dbSNP rs2487082872, ClinGen allele CA369645467.

ClinVar aggregate classification (germline): Uncertain significance (1 of 4 stars; one submission).

Conditions:
Congenital myotonia, autosomal recessive form. Also called: BECKER DISEASE; Becker Generalized Myotonia; myotonia congenita, autosomal recessive. Identifiers: Orphanet 614, MedGen C0751360, MONDO:0009715, OMIM 255700.
Congenital myotonia, autosomal dominant form (THD). Also called: THOMSEN DISEASE; Myotonia congenita autosomal dominant. Identifiers: Orphanet 614, MedGen C2936781, MONDO:0008055, OMIM 160800.

Submission:

Labcorp Genetics (formerly Invitae), Labcorp
Classification: Uncertain significance for Congenital myotonia, autosomal recessive form; Congenital myotonia, autosomal dominant form. Last evaluated: 2022-03-18. Review status: criteria provided, single submitter. Criteria: Invitae Variant Classification Sherloc (09022015). Collection method: clinical testing. Allele origin: germline.
Comment: This sequence change replaces glycine, which is neutral and non-polar, with arginine, which is basic and polar, at codon 491 of the CLCN1 protein (p.Gly491Arg). This variant also falls at the last nucleotide of exon 13, which is part of the consensus splice site for this exon. This variant is not present in population databases (gnomAD no frequency). This variant has not been reported in the literature in individuals affected with CLCN1-related conditions. Algorithms developed to predict the effect of missense changes on protein structure and function are either unavailable or do not agree on the potential impact of this missense change (SIFT: "Deleterious"; PolyPhen-2: "Probably Damaging"; Align-GVGD: "Class C15"). Variants that disrupt the consensus splice site are a relatively common cause of aberrant splicing (PMID: 17576681, 9536098). Algorithms developed to predict the effect of sequence changes on RNA splicing suggest that this variant may disrupt the consensus splice site. In summary, the available evidence is currently insufficient to determine the role of this variant in disease. Therefore, it has been classified as a Variant of Uncertain Significance.

Literature cited by the submitters: PubMed 17576681; PubMed 9536098.